The following is an entry in ClinVar:

NM_006258.4(PRKG1):c.1613A>G (p.Glu538Gly)

Gene: PRKG1 (protein kinase cGMP-dependent 1; plus strand). Cytogenetic location: 10q21.1.
Variant type: single nucleotide variant.
Coding change: c.1613A>G on transcript NM_006258.4 (MANE Select); coding-DNA position 1613, A replaced by G.
Protein change: p.Glu538Gly; replaces glutamic acid 538 with glycine.
Molecular consequence: missense variant.
Genome position (GRCh38, 1-based): chr10:52,282,220, A>G. VCF-style: chr10-52282220-A-G. GRCh37 (hg19) VCF-style: chr10-54041980-A-G.
Other names: c.1568A>G, p.Glu523Gly (NM_001098512.3); c.404A>G, p.Glu135Gly (NM_001374781.1); short protein forms E135G, E523G, E538G.
Identifiers: ClinVar variation 967046 (VCV000967046.10), dbSNP rs1842017438, ClinGen allele CA376535840.
Genomic context (GRCh38, chr10:52,282,220, plus strand): 5'-TTGGCTTTGCAAAGAAAATAGGATTTGGAAAGAAAACATGGACTTTTTGTGGGACTCCAG[A>G]GTATGTAGCCCCAGAGATCATCCTGAACAAAGGCCATGACATTTCAGCCGACTACTGGTC-3'
Protein context (NP_006249.1, residues 528-548): KKTWTFCGTP[Glu538Gly]YVAPEIILNK

ClinVar aggregate classification (germline): Uncertain significance. Review status: criteria provided, multiple submitters, no conflicts (2 of 4 stars). 2 submissions from 2 submitters: Uncertain significance (2). Last evaluated 2023-06-06.

Conditions:
Aortic aneurysm, familial thoracic 8 (AAT8). Identifiers: MedGen C3809513, MONDO:0014187, OMIM 615436.

Submissions (2):

GeneDx
Classification: Uncertain significance. Last evaluated: 2023-06-06. Review status: criteria provided, single submitter. Criteria: GeneDx Variant Classification Process June 2021. Collection method: clinical testing. Allele origin: germline. Affected: yes.
Comment: Not observed at significant frequency in large population cohorts (gnomAD); In silico analysis supports that this missense variant has a deleterious effect on protein structure/function; Has not been previously published as pathogenic or benign to our knowledge

Labcorp Genetics (formerly Invitae), Labcorp
Classification: Uncertain significance for Aortic aneurysm, familial thoracic 8. Last evaluated: 2019-11-13. Review status: criteria provided, single submitter. Criteria: Invitae Variant Classification Sherloc (09022015). Collection method: clinical testing. Allele origin: germline.
Comment: In summary, the available evidence is currently insufficient to determine the role of this variant in disease. Therefore, it has been classified as a Variant of Uncertain Significance. Algorithms developed to predict the effect of sequence changes on RNA splicing suggest that this variant may create or strengthen a splice site, but this prediction has not been confirmed by published transcriptional studies. This sequence change replaces glutamic acid with glycine at codon 538 of the PRKG1 protein (p.Glu538Gly). The glutamic acid residue is highly conserved and there is a moderate physicochemical difference between glutamic acid and glycine. This variant is not present in population databases (ExAC no frequency). This variant has not been reported in the literature in individuals with PRKG1-related conditions. Algorithms developed to predict the effect of missense changes on protein structure and function are either unavailable or do not agree on the potential impact of this missense change (SIFT: "Deleterious"; PolyPhen-2: "Probably Damaging"; Align-GVGD: "Class C15").